The following is an entry in ClinVar:

NM_182961.4(SYNE1):c.6852A>T (p.Lys2284Asn)

Gene: SYNE1 (spectrin repeat containing nuclear envelope protein 1; minus strand). Cytogenetic location: 6q25.2.
Variant type: single nucleotide variant.
Coding change: c.6852A>T on transcript NM_182961.4 (MANE Select); coding-DNA position 6852, A replaced by T.
Protein change: p.Lys2284Asn; replaces lysine 2284 with asparagine.
Molecular consequence: missense variant.
Genome position (GRCh38, 1-based): chr6:152,401,315, T>A on the plus strand (A>T on the coding strand, the complement: SYNE1 is on the minus strand). VCF-style: chr6-152401315-T-A. GRCh37 (hg19) VCF-style: chr6-152722450-T-A.
Other names: c.6873A>T, p.Lys2291Asn (NM_033071.5); short protein forms K2284N, K2291N.
Identifiers: ClinVar variation 4085535 (VCV004085535.8).

ClinVar aggregate classification (germline): Uncertain significance (1 of 4 stars; one submission).

Submission:

CeGaT Center for Human Genetics Tuebingen
Classification: Uncertain significance. Last evaluated: 2025-07-01. Review status: criteria provided, single submitter. Criteria: CeGaT Center For Human Genetics Tuebingen Variant Classification Criteria Version 2. Collection method: clinical testing. Allele origin: germline. Affected: yes. Observed: 1 variant allele.
Comment: SYNE1: PM2